The following is an entry in ClinVar:

NM_004655.4(AXIN2):c.594A>G (p.Glu198=)

Gene: AXIN2 (axin 2; minus strand). Cytogenetic location: 17q24.1.
Variant type: single nucleotide variant.
Coding change: c.594A>G on transcript NM_004655.4 (MANE Select); coding-DNA position 594, A replaced by G.
Protein change: p.Glu198=; no amino-acid change (glutamic acid 198 retained).
Molecular consequence: synonymous variant.
Genome position (GRCh38, 1-based): chr17:65,558,027, T>C on the plus strand (A>G on the coding strand, the complement: AXIN2 is on the minus strand). VCF-style: chr17-65558027-T-C. GRCh37 (hg19) VCF-style: chr17-63554145-T-C.
Other names: c.594A>G (NM_004655.3); c.594A>G, p.Glu198= (NM_001363813.1).
Identifiers: ClinVar variation 1481740 (VCV001481740.10), dbSNP rs1478720065, ClinGen allele CA501691675.

ClinVar aggregate classification (germline): Benign/Likely benign. Review status: criteria provided, multiple submitters, no conflicts (2 of 4 stars). 3 submissions from 3 submitters: Benign (1); Likely benign (2). Last evaluated 2024-06-27.

Conditions:
Hereditary cancer-predisposing syndrome. Also called: Tumor predisposition; Hereditary Cancer Syndrome; Hereditary neoplastic syndrome; Neoplastic Syndromes, Hereditary. Identifiers: Orphanet 140162, MedGen C0027672, MeSH D009386, MONDO:0015356.
Oligodontia-cancer predisposition syndrome. Also called: TOOTH AGENESIS-COLORECTAL CANCER SYNDROME. Identifiers: Orphanet 300576, MedGen C1837750, MONDO:0012075, OMIM 608615. Disease mechanism: loss of function.

Allele frequency attached by ClinVar (database versions not stated): gnomAD exomes below 0.00001.
gnomAD v4.1: 3 of 1,614,116 alleles (0.00019%); highest among the groups gnomAD compares: South Asian, 0.0022%; no homozygotes.

Submissions (3):

Myriad Genetics, Inc.
Classification: Benign for Oligodontia-cancer predisposition syndrome. Last evaluated: 2024-06-27. Review status: criteria provided, single submitter. Criteria: Myriad Autosomal Dominant, Autosomal Recessive and X-Linked Classification Criteria (2023). Collection method: clinical testing. Allele origin: unknown.
Comment: This variant is considered benign. This variant is a silent/synonymous amino acid change and it is not expected to impact splicing.

Labcorp Genetics (formerly Invitae), Labcorp
Classification: Likely benign for Oligodontia-cancer predisposition syndrome. Last evaluated: 2024-02-17. Review status: criteria provided, single submitter. Criteria: Invitae Variant Classification Sherloc (09022015). Collection method: clinical testing. Allele origin: germline.

Ambry Genetics
Classification: Likely benign for Hereditary cancer-predisposing syndrome. Last evaluated: 2024-01-20. Review status: criteria provided, single submitter. Criteria: Ambry Variant Classification Scheme 2023. Collection method: clinical testing. Allele origin: germline.